The following is an entry in ClinVar:

NM_004991.4(MECOM):c.3541C>T (p.Pro1181Ser)

Gene: MECOM (MDS1 and EVI1 complex locus; minus strand). Cytogenetic location: 3q26.2.
Variant type: single nucleotide variant.
Coding change: c.3541C>T on transcript NM_004991.4 (MANE Select); coding-DNA position 3541, C replaced by T.
Protein change: p.Pro1181Ser; replaces proline 1181 with serine.
Molecular consequence: missense variant.
Genome position (GRCh38, 1-based): chr3:169,089,044, G>A on the plus strand (C>T on the coding strand, the complement: MECOM is on the minus strand). VCF-style: chr3-169089044-G-A. GRCh37 (hg19) VCF-style: chr3-168806832-G-A.
Other names: c.3172C>T, p.Pro1058Ser (NM_001105077.4); c.2977C>T, p.Pro993Ser (NM_001105078.4, NM_001205194.2, NM_001366469.2 and 1 more transcripts); c.2953C>T, p.Pro985Ser (NM_001163999.2, NM_001366470.2); c.2950C>T, p.Pro984Ser (NM_001164000.2, NM_001366471.2, NM_001366472.2); c.3514C>T, p.Pro1172Ser (NM_001366466.2); c.2980C>T, p.Pro994Ser (NM_001366467.2, NM_001366468.2); c.2542C>T, p.Pro848Ser (NM_001366473.2); c.1978C>T, p.Pro660Ser (NM_001366474.2); short protein forms P984S, P993S, P1181S, P1058S, P660S, P848S, P985S, P1172S.
Identifiers: ClinVar variation 3871710 (VCV003871710.1).

ClinVar aggregate classification (germline): Uncertain significance (1 of 4 stars; one submission).

Conditions:
Inborn genetic diseases. Identifiers: MedGen C0950123, MeSH D030342.

gnomAD v4.1: 3 of 1,606,548 alleles (0.00019%); highest among the groups gnomAD compares: East Asian, 0.0045%; no homozygotes.

Submission:

Ambry Genetics
Classification: Uncertain significance for Inborn genetic diseases. Last evaluated: 2025-01-13. Review status: criteria provided, single submitter. Criteria: Ambry Variant Classification Scheme 2023. Collection method: clinical testing. Allele origin: germline.
Comment: The p.P1181S variant (also known as c.3541C>T), located in coding exon 16 of the MECOM gene, results from a C to T substitution at nucleotide position 3541. The proline at codon 1181 is replaced by serine, an amino acid with similar properties. This amino acid position is conserved. In addition, this alteration is predicted to be tolerated by in silico analysis. Based on the available evidence, the clinical significance of this variant remains unclear.